The following is an entry in ClinVar:

ClinVar aggregate classification (germline): Uncertain significance (1 of 4 stars; one submission).

Submission:

GeneDx
Classification: Uncertain significance. Last evaluated: 2019-04-09. Review status: criteria provided, single submitter. Criteria: GeneDx Variant Classification Process June 2021. Collection method: clinical testing. Allele origin: germline. Affected: yes.
Comment: Not observed in large population cohorts (Lek et al., 2016); In silico analysis, which includes protein predictors and evolutionary conservation, supports a deleterious effect; Has not been previously published as pathogenic or benign to our knowledge

NM_012062.5(DNM1L):c.1240G>C (p.Glu414Gln)

Gene: DNM1L (dynamin 1 like; plus strand). Cytogenetic location: 12p11.21.
Variant type: single nucleotide variant.
Coding change: c.1240G>C on transcript NM_012062.5 (MANE Select); coding-DNA position 1240, G replaced by C.
Protein change: p.Glu414Gln; replaces glutamic acid 414 with glutamine.
Molecular consequence: missense variant.
Genome position (GRCh38, 1-based): chr12:32,731,395, G>C. VCF-style: chr12-32731395-G-C. GRCh37 (hg19) VCF-style: chr12-32884329-G-C.
Other names: c.1240G>C, p.Glu414Gln (NM_001278463.2, NM_005690.5, NM_012063.4); c.1279G>C, p.Glu427Gln (NM_001278464.2, NM_001278465.2, NM_001330380.2); c.631G>C, p.Glu211Gln (NM_001278466.2); short protein forms E211Q, E414Q, E427Q.
Identifiers: ClinVar variation 1305018 (VCV001305018.2), dbSNP rs2137523561, ClinGen allele CA384358416.